The following is an entry in ClinVar:

NM_015634.4(KIFBP):c.669G>A (p.Met223Ile)

Gene: KIFBP (kinesin family binding protein; plus strand). Cytogenetic location: 10q22.1.
Variant type: single nucleotide variant.
Coding change: c.669G>A on transcript NM_015634.4 (MANE Select); coding-DNA position 669, G replaced by A.
Protein change: p.Met223Ile; replaces methionine 223 with isoleucine.
Molecular consequence: missense variant.
Genome position (GRCh38, 1-based): chr10:69,005,795, G>A. VCF-style: chr10-69005795-G-A. GRCh37 (hg19) VCF-style: chr10-70765551-G-A.
Other names: short protein forms M223I.
Identifiers: ClinVar variation 2463726 (VCV002463726.3), dbSNP rs368916440, ClinGen allele CA5529740.

ClinVar aggregate classification (germline): Uncertain significance. Review status: criteria provided, multiple submitters, no conflicts (2 of 4 stars). 2 submissions from 2 submitters: Uncertain significance (2). Last evaluated 2024-03-08.

Allele frequency attached by ClinVar (database versions not stated): gnomAD exomes 0.00002; ExAC 0.00003; ESP Exome Variant Server 0.00008; TOPMed 0.00014; 1000 Genomes Project 30x 0.00016; gnomAD 0.00016; 1000 Genomes Project 0.00020.
gnomAD v4.1: 50 of 1,613,984 alleles (0.0031%); highest among the groups gnomAD compares: African/African-American, 0.051%; no homozygotes.

Submissions (2):

GeneDx
Classification: Uncertain significance. Last evaluated: 2024-03-08. Review status: criteria provided, single submitter. Criteria: GeneDx Variant Classification Process June 2021. Collection method: clinical testing. Allele origin: germline. Affected: yes.
Comment: In silico analysis supports that this missense variant does not alter protein structure/function; Has not been previously published as pathogenic or benign to our knowledge

Ambry Genetics
Classification: Uncertain significance. Last evaluated: 2023-03-02. Review status: criteria provided, single submitter. Criteria: Ambry Variant Classification Scheme 2023. Collection method: clinical testing. Allele origin: germline.